The following is an entry in ClinVar:

NM_000219.6(KCNE1):c.152T>G (p.Leu51Arg)

Gene: KCNE1 (potassium voltage-gated channel subfamily E regulatory subunit 1; minus strand). Cytogenetic location: 21q22.12.
Variant type: single nucleotide variant.
Coding change: c.152T>G on transcript NM_000219.6 (MANE Select); coding-DNA position 152, T replaced by G.
Protein change: p.Leu51Arg; replaces leucine 51 with arginine.
Molecular consequence: missense variant.
Genome position (GRCh38, 1-based): chr21:34,449,483, A>C on the plus strand (T>G on the coding strand, the complement: KCNE1 is on the minus strand). VCF-style: chr21-34449483-A-C. GRCh37 (hg19) VCF-style: chr21-35821781-A-C.
Other names: c.152T>G, p.Leu51Arg (NM_001127668.4, NM_001127669.4, NM_001127670.4 and 4 more transcripts); short protein forms L51R.
Identifiers: ClinVar variation 3374185 (VCV003374185.2).
Genomic context (GRCh38, chr21:34,449,483, plus strand): 5'-AGCTTCTTGGAGCGGATGTAGCTCAGCATGATGCCCAGGGTGAAGAAGCCGAAGAATCCC[A>C]GTACCATGAGGACGTAGAGGGCCTCCAGCTTGCCGTCACTGCTGCGGGGGGACCTGCGGG-3'
Protein context (NP_000210.2, residues 41-61): KLEALYVLMV[Leu51Arg]GFFGFFTLGI

Conditions:
Long QT syndrome 5 (LQT5). Identifiers: Orphanet 101016, Orphanet 768, MedGen C1867904, MONDO:0013372, OMIM 613695.

Submission:

Roden Lab, Vanderbilt University Medical Center
No classification provided (evidence only). Condition: Long QT syndrome 5. Review status: no classification provided. Collection method: in vitro. Allele origin: not applicable. Functional consequence: Effect on ion channel function.
ClinVar note: "not provided" was previously submitted as the classification for the variant. However, the classification appeared to be based only on an observation of functional data so it was converted to no classification on 2025-07-30.